The following is an entry in ClinVar:

ClinVar aggregate classification (germline): Likely benign. Review status: criteria provided, multiple submitters, no conflicts (2 of 4 stars). 3 submissions from 3 submitters: Likely benign (2). 1 of the submissions does not count toward it. Last evaluated 2025-10-26.

Conditions:
CHD7-related disorder. Also called: CHD7-related condition.
CHARGE syndrome (CHARGE). Also called: Hittner Hirsch Kreh syndrome; CHARGE ASSOCIATION--COLOBOMA, HEART ANOMALY, CHOANAL ATRESIA, RETARDATION, GENITAL AND EAR ANOMALIES; Coloboma, heart anomaly, choanal atresia, retardation, genital and ear anomalies; CHARGE association; Hall-Hittner syndrome. Identifiers: Orphanet 138, MedGen C0265354, MONDO:0008965.

Allele frequency attached by ClinVar (database versions not stated): gnomAD 0.00001; gnomAD exomes 0.00001 and 0.00003; ExAC 0.00002; TOPMed 0.00003.
gnomAD v4.1: 58 of 1,613,730 alleles (0.0036%); highest among the groups gnomAD compares: Non-Finnish European, 0.0043%; no homozygotes.

Submissions (3):

Labcorp Genetics (formerly Invitae), Labcorp
Classification: Likely benign for CHARGE syndrome. Last evaluated: 2025-10-26. Review status: criteria provided, single submitter. Criteria: Invitae Variant Classification Sherloc (09022015). Collection method: clinical testing. Allele origin: germline.

GeneDx
Classification: Likely benign. Last evaluated: 2019-04-09. Review status: criteria provided, single submitter. Criteria: GeneDx Variant Classification Process June 2021. Collection method: clinical testing. Allele origin: germline. Affected: yes.

PreventionGenetics, part of Exact Sciences
Classification: Likely benign for CHD7-related condition. Last evaluated: 2023-01-05. Review status: no assertion criteria provided. Collection method: clinical testing. Allele origin: germline. Not counted in ClinVar's aggregate classification.
Comment: This variant is classified as likely benign based on ACMG/AMP sequence variant interpretation guidelines (Richards et al. 2015 PMID: 25741868, with internal and published modifications).

NM_017780.4(CHD7):c.4302G>A (p.Leu1434=)

Gene: CHD7 (chromodomain helicase DNA binding protein 7; plus strand). Cytogenetic location: 8q12.2.
Variant type: single nucleotide variant.
Coding change: c.4302G>A on transcript NM_017780.4 (MANE Select); coding-DNA position 4302, G replaced by A.
Protein change: p.Leu1434=; no amino-acid change (leucine 1434 retained).
Molecular consequence: synonymous variant. On other transcripts: intron variant (1).
Genome position (GRCh38, 1-based): chr8:60,837,784, G>A. VCF-style: chr8-60837784-G-A. GRCh37 (hg19) VCF-style: chr8-61750343-G-A.
Other names: c.1717-24445G>A (NM_001316690.1); c.4302G>A (NM_017780.3).
Identifiers: ClinVar variation 1187645 (VCV001187645.9), dbSNP rs760088130, ClinGen allele CA4760108.